The following is an entry in ClinVar:

ClinVar aggregate classification (germline): Benign/Likely benign. Review status: criteria provided, multiple submitters, no conflicts (2 of 4 stars). 3 submissions from 3 submitters: Benign (1); Likely benign (2). Last evaluated 2025-01-09.

Conditions:
Familial cancer of breast. Also called: BREAST CANCER, FAMILIAL; Hereditary breast cancer; hereditary breast carcinoma. Identifiers: Orphanet 227535, MedGen C0346153, MONDO:0016419, OMIM 114480. Disease mechanism: loss of function.
Hereditary cancer-predisposing syndrome. Also called: Tumor predisposition; Hereditary Cancer Syndrome; Neoplastic Syndromes, Hereditary; Hereditary neoplastic syndrome. Identifiers: Orphanet 140162, MedGen C0027672, MeSH D009386, MONDO:0015356.

Allele frequency attached by ClinVar (database versions not stated): gnomAD 0.00001.
gnomAD v4.1: 3 of 1,613,428 alleles (0.00019%); highest among the groups gnomAD compares: Non-Finnish European, 0.00017%; no homozygotes.

Submissions (3):

Myriad Genetics, Inc.
Classification: Benign for Familial cancer of breast. Last evaluated: 2025-01-09. Review status: criteria provided, single submitter. Criteria: Myriad Autosomal Dominant, Autosomal Recessive and X-Linked Classification Criteria (2023). Collection method: clinical testing. Allele origin: unknown.
Comment: This variant is considered benign. This variant is a silent/synonymous amino acid change and it is not expected to impact splicing.

Labcorp Genetics (formerly Invitae), Labcorp
Classification: Likely benign for Familial cancer of breast. Last evaluated: 2021-02-12. Review status: criteria provided, single submitter. Criteria: Invitae Variant Classification Sherloc (09022015). Collection method: clinical testing. Allele origin: germline.

Ambry Genetics
Classification: Likely benign for Hereditary cancer-predisposing syndrome. Last evaluated: 2019-09-19. Review status: criteria provided, single submitter. Criteria: Ambry Variant Classification Scheme 2023. Collection method: clinical testing. Allele origin: germline.

NM_024675.4(PALB2):c.30C>T (p.Ser10=)

Gene: PALB2 (partner and localizer of BRCA2; minus strand). Cytogenetic location: 16p12.2.
Variant type: single nucleotide variant.
Coding change: c.30C>T on transcript NM_024675.4 (MANE Select); coding-DNA position 30, C replaced by T.
Protein change: p.Ser10=; no amino-acid change (serine 10 retained).
Molecular consequence: synonymous variant.
Genome position (GRCh38, 1-based): chr16:23,641,128, G>A on the plus strand (C>T on the coding strand, the complement: PALB2 is on the minus strand). VCF-style: chr16-23641128-G-A. GRCh37 (hg19) VCF-style: chr16-23652449-G-A.
Identifiers: ClinVar variation 822895 (VCV000822895.15), dbSNP rs758500749, ClinGen allele CA494168468.
Genomic context (GRCh38, chr16:23,641,128, plus strand): 5'-GGGGTCAGAGTCCTGCGTCCGCCCTTCCCGCACCCCCGGCACCTTTTCCTTCTCCTCACA[G>A]CTGAGGGGCTTCCCGGGAGGCTCGTCCATCGGGCAGGCGACAGAACGAAAAGAGCAGCCG-3'
Protein context (NP_078951.2, residues 1-20): MDEPPGKPL[Ser10=]CEEKEKLKEK